The following is an entry in ClinVar:

ClinVar aggregate classification (germline): Benign. Review status: criteria provided, multiple submitters, no conflicts (2 of 4 stars). 4 submissions from 4 submitters: Benign (3). 1 of the submissions does not count toward it. Last evaluated 2026-02-04.

Conditions:
TRPV6-related disorder. Also called: TRPV6-related condition.

Allele frequency attached by ClinVar (database versions not stated): gnomAD exomes 0.08215; ExAC 0.09865; 1000 Genomes Project 0.18890; gnomAD 0.19671; 1000 Genomes Project 30x 0.20050; TOPMed 0.21413; ESP Exome Variant Server 0.22551.
gnomAD v4.1: 150,756 of 1,613,764 alleles (9.3%); highest among the groups gnomAD compares: African/African-American, 52%; 14,870 homozygotes.

Submissions (4):

Labcorp Genetics (formerly Invitae), Labcorp
Classification: Benign. Last evaluated: 2026-02-04. Review status: criteria provided, single submitter. Criteria: Invitae Variant Classification Sherloc (09022015). Collection method: clinical testing. Allele origin: germline.

Mayo Clinic Laboratories, Mayo Clinic
Classification: Benign. Last evaluated: 2025-08-14. Review status: criteria provided, single submitter. Criteria: ACMG Guidelines, 2015. Collection method: clinical testing. Allele origin: germline. Observed: 7 variant alleles.

Blueprint Genetics
Classification: Benign. Last evaluated: 2024-11-27. Review status: criteria provided, single submitter. Criteria: ACMG Guidelines, 2015. Collection method: clinical testing. Allele origin: germline.

PreventionGenetics, part of Exact Sciences
Classification: Benign for TRPV6-related condition. Last evaluated: 2019-10-16. Review status: no assertion criteria provided. Collection method: clinical testing. Allele origin: germline. Not counted in ClinVar's aggregate classification.
Comment: This variant is classified as benign based on ACMG/AMP sequence variant interpretation guidelines (Richards et al. 2015 PMID: 25741868, with internal and published modifications).

NM_018646.6(TRPV6):c.1252A>G (p.Met418Val)

Gene: TRPV6 (transient receptor potential cation channel subfamily V member 6; minus strand). Cytogenetic location: 7q34.
Variant type: single nucleotide variant.
Coding change: c.1252A>G on transcript NM_018646.6 (MANE Select); coding-DNA position 1252, A replaced by G.
Protein change: p.Met418Val; replaces methionine 418 with valine.
Molecular consequence: missense variant.
Genome position (GRCh38, 1-based): chr7:142,875,155, T>C on the plus strand (A>G on the coding strand, the complement: TRPV6 is on the minus strand). VCF-style: chr7-142875155-T-C. GRCh37 (hg19) VCF-style: chr7-142572908-T-C.
Other names: p.Met418Val; c.1252A>G (NM_018646.5); short protein forms M418V.
Identifiers: ClinVar variation 2786652 (VCV002786652.7), dbSNP rs4987667, ClinGen allele CA4532579.
Genomic context (GRCh38, chr7:142,875,155, plus strand): 5'-TGATAGCCCCAATGACAGTCACCAGCTCCCCGACCAGCCGGATATCGTCCTTAGGGGTCA[T>C]GTAGGCTTCCTAATGGGGGAGAAGAACAGTCAAAATGCTCAGGGCTTTCAGGCCTCTGCC-3'
Protein context (NP_061116.5, residues 408-428): LQQKLLQEAY[Met418Val]TPKDDIRLVG